The following is an entry in ClinVar:

NM_019109.5(ALG1):c.1170T>C (p.Cys390=)

Gene: ALG1 (ALG1 chitobiosyldiphosphodolichol beta-mannosyltransferase; plus strand). Cytogenetic location: 16p13.3.
Variant type: single nucleotide variant.
Coding change: c.1170T>C on transcript NM_019109.5 (MANE Select); coding-DNA position 1170, T replaced by C.
Protein change: p.Cys390=; no amino-acid change (cysteine 390 retained).
Molecular consequence: synonymous variant.
Genome position (GRCh38, 1-based): chr16:5,082,656, T>C. VCF-style: chr16-5082656-T-C. GRCh37 (hg19) VCF-style: chr16-5132657-T-C.
Other names: c.837T>C, p.Cys279= (NM_001330504.2).
Identifiers: ClinVar variation 3033829 (VCV003033829.2), dbSNP rs80210219, ClinGen allele CA7890242.

ClinVar aggregate classification (germline): Likely benign (0 of 4 stars; one submission).

Conditions:
ALG1-related disorder. Also called: ALG1-related condition.

Allele frequency attached by ClinVar (database versions not stated): 1000 Genomes Project 0.00739; ExAC 0.00529.

Submission:

PreventionGenetics, part of Exact Sciences
Classification: Likely benign for ALG1-related condition. Last evaluated: 2021-01-15. Review status: no assertion criteria provided. Collection method: clinical testing. Allele origin: germline.
Comment: This variant is classified as likely benign based on ACMG/AMP sequence variant interpretation guidelines (Richards et al. 2015 PMID: 25741868, with internal and published modifications).